The following is an entry in ClinVar:

NM_007294.4(BRCA1):c.630A>G (p.Gln210=)

Gene: BRCA1 (BRCA1 DNA repair associated; minus strand). Cytogenetic location: 17q21.31.
Variant type: single nucleotide variant.
Coding change: c.630A>G on transcript NM_007294.4 (MANE Select); coding-DNA position 630, A replaced by G.
Protein change: p.Gln210=; no amino-acid change (glutamine 210 retained).
Molecular consequence: synonymous variant. On other transcripts: intron variant (115).
Genome position (GRCh38, 1-based): chr17:43,095,886, T>C on the plus strand (A>G on the coding strand, the complement: BRCA1 is on the minus strand). VCF-style: chr17-43095886-T-C. GRCh37 (hg19) VCF-style: chr17-41247903-T-C.
Other names: c.630A>G, p.Gln210= (NM_001407976.1, NM_001407977.1, NM_001407978.1 and 59 more transcripts); c.417A>G, p.Gln139= (NM_001407571.1, NM_001408490.1, NM_001408491.1 and 12 more transcripts); c.627A>G, p.Gln209= (NM_001407587.1, NM_001407590.1, NM_001407984.1 and 41 more transcripts); c.621A>G, p.Gln207= (NM_001408408.1, NM_001407646.1, NM_001407647.1); c.552A>G, p.Gln184= (NM_001408409.1, NM_001408411.1, NM_001408412.1 and 9 more transcripts); c.489A>G, p.Gln163= (NM_001408410.1, NM_001408452.1, NM_001408453.1 and 43 more transcripts); c.549A>G, p.Gln183= (NM_001408413.1, NM_001408416.1, NM_001407659.1 and 3 more transcripts); c.495A>G, p.Gln165= (NM_001408451.1); and 17 more.
Identifiers: ClinVar variation 481086 (VCV000481086.21), dbSNP rs1555593567, ClinGen allele CA500124059.

ClinVar aggregate classification (germline): Likely benign. Review status: criteria provided, multiple submitters, no conflicts (2 of 4 stars). 5 submissions from 5 submitters: Likely benign (5). Last evaluated 2025-11-05.

Conditions:
Hereditary cancer-predisposing syndrome. Also called: Hereditary Cancer Syndrome; Neoplastic Syndromes, Hereditary; Tumor predisposition; Hereditary neoplastic syndrome. Identifiers: Orphanet 140162, MedGen C0027672, MeSH D009386, MONDO:0015356.
BRCA1-related cancer predisposition. Identifiers: MedGen CN377757, MONDO:0700268.
Hereditary breast ovarian cancer syndrome. Also called: Hereditary breast and ovarian cancer syndrome; Hereditary breast and ovarian cancer; Hereditary breast and ovarian cancer syndrome (HBOC); Breast and ovarian cancer; Hereditary breast and/or ovarian cancer syndrome; BRCA1- and BRCA2-Associated Hereditary Breast and Ovarian Cancer. Identifiers: Orphanet 145, MedGen C0677776, MeSH D061325, MONDO:0003582. Disease mechanism: loss of function.

Allele frequency attached by ClinVar (database versions not stated): gnomAD exomes below 0.00001; TOPMed 0.00001.
gnomAD v4.1: 2 of 1,613,904 alleles (0.00012%); highest among the groups gnomAD compares: African/African-American, 0.0013%; no homozygotes.

Submissions (5):

Labcorp Genetics (formerly Invitae), Labcorp
Classification: Likely benign for Hereditary breast ovarian cancer syndrome. Last evaluated: 2025-11-05. Review status: criteria provided, single submitter. Criteria: Invitae Variant Classification Sherloc (09022015). Collection method: clinical testing. Allele origin: germline.

All of Us Research Program, National Institutes of Health
Classification: Likely benign for BRCA1-related cancer predisposition. Last evaluated: 2024-02-22. Review status: criteria provided, single submitter. Criteria: ACMG Guidelines, 2015. Collection method: clinical testing. Allele origin: germline. Inheritance: Autosomal dominant inheritance. Observed: 1 variant allele, 1 heterozygote.
Comment: This study involves interpretation of variants in research participants for the purpose of population health screening. Participant phenotype was not available at the time of variant classification. Additional details can be found in publication PMID: 35346344, PMCID: PMC8962531

Women's Health and Genetics/Laboratory Corporation of America, LabCorp
Classification: Likely benign. Last evaluated: 2023-11-24. Review status: criteria provided, single submitter. Criteria: LabCorp Variant Classification Summary - May 2015. Collection method: clinical testing. Allele origin: germline.

Color Diagnostics, LLC DBA Color Health
Classification: Likely benign for Hereditary cancer-predisposing syndrome. Last evaluated: 2017-06-20. Review status: criteria provided, single submitter. Criteria: ACMG Guidelines, 2015. Collection method: clinical testing. Allele origin: germline.

Ambry Genetics
Classification: Likely benign for Hereditary cancer-predisposing syndrome. Last evaluated: 2016-08-30. Review status: criteria provided, single submitter. Criteria: Ambry Variant Classification Scheme 2023. Collection method: clinical testing. Allele origin: germline.